The following is an entry in ClinVar:

NM_004525.3(LRP2):c.8073C>T (p.His2691=)

Gene: LRP2 (LDL receptor related protein 2; minus strand). Cytogenetic location: 2q31.1.
Variant type: single nucleotide variant.
Coding change: c.8073C>T on transcript NM_004525.3 (MANE Select); coding-DNA position 8073, C replaced by T.
Protein change: p.His2691=; no amino-acid change (histidine 2691 retained).
Molecular consequence: synonymous variant.
Genome position (GRCh38, 1-based): chr2:169,202,892, G>A on the plus strand (C>T on the coding strand, the complement: LRP2 is on the minus strand). VCF-style: chr2-169202892-G-A. GRCh37 (hg19) VCF-style: chr2-170059402-G-A.
Identifiers: ClinVar variation 760158 (VCV000760158.19), dbSNP rs146772976, ClinGen allele CA1953940.

ClinVar aggregate classification (germline): Conflicting classifications of pathogenicity. Review status: criteria provided, conflicting classifications (1 of 4 stars). 5 submissions from 5 submitters: Uncertain significance (1); Likely benign (3). 1 of the submissions does not count toward it. Last evaluated 2026-01-21.

Conditions:
LRP2-related disorder. Also called: LRP2-related condition.
Donnai-Barrow syndrome. Also called: DBS/FOAR SYNDROME; FACIOOCULOACOUSTICORENAL SYNDROME. Identifiers: Orphanet 2143, MedGen C1857277, MONDO:0009104, OMIM 222448.

Allele frequency attached by ClinVar (database versions not stated): ESP Exome Variant Server 0.00008; ExAC 0.00014; gnomAD exomes 0.00014 and 0.00022; gnomAD 0.00018; TOPMed 0.00019.
gnomAD v4.1: 341 of 1,614,224 alleles (0.021%); highest among the groups gnomAD compares: Non-Finnish European, 0.027%; no homozygotes.

Submissions (5):

Labcorp Genetics (formerly Invitae), Labcorp
Classification: Likely benign. Last evaluated: 2026-01-21. Review status: criteria provided, single submitter. Criteria: Invitae Variant Classification Sherloc (09022015). Collection method: clinical testing. Allele origin: germline.

Blueprint Genetics
Classification: Likely benign. Last evaluated: 2024-11-13. Review status: criteria provided, single submitter. Criteria: ACMG Guidelines, 2015. Collection method: clinical testing. Allele origin: germline.

Genome-Nilou Lab
Classification: Likely benign for Donnai-Barrow syndrome. Last evaluated: 2021-07-15. Review status: criteria provided, single submitter. Criteria: ACMG Guidelines, 2015. Collection method: clinical testing. Allele origin: germline. Affected: no.

Illumina Laboratory Services, Illumina
Classification: Uncertain significance for Donnai-Barrow syndrome. Last evaluated: 2018-01-15. Review status: criteria provided, single submitter. Criteria: ICSL Variant Classification Criteria 13 December 2019. Collection method: clinical testing. Allele origin: germline.

PreventionGenetics, part of Exact Sciences
Classification: Likely benign for LRP2-related condition. Last evaluated: 2023-03-15. Review status: no assertion criteria provided. Collection method: clinical testing. Allele origin: germline. Not counted in ClinVar's aggregate classification.
Comment: This variant is classified as likely benign based on ACMG/AMP sequence variant interpretation guidelines (Richards et al. 2015 PMID: 25741868, with internal and published modifications).